The following is an entry in ClinVar:

ClinVar aggregate classification (germline): Conflicting classifications of pathogenicity. Review status: criteria provided, conflicting classifications (1 of 4 stars). 6 submissions from 6 submitters: Uncertain significance (1); Likely benign (5). Last evaluated 2026-01-18.

Conditions:
Noonan syndrome (NS). Also called: Noonan's syndrome. Identifiers: Orphanet 648, MedGen C0028326, MeSH D009634, MONDO:0018997. Disease mechanism: gain of function.
RRAS-related disorder. Also called: RRAS-related condition.

Allele frequency attached by ClinVar (database versions not stated): gnomAD exomes 0.00011 and 0.00031; ExAC 0.00039; gnomAD 0.00123 and 0.00128; TOPMed 0.00144; 1000 Genomes Project 0.00160; 1000 Genomes Project 30x 0.00203; ESP Exome Variant Server 0.00208.
gnomAD v4.1: 344 of 1,570,188 alleles (0.022%); highest among the groups gnomAD compares: African/African-American, 0.43%; no homozygotes.

Submissions (6):

Labcorp Genetics (formerly Invitae), Labcorp
Classification: Likely benign for Noonan syndrome. Last evaluated: 2026-01-18. Review status: criteria provided, single submitter. Criteria: Invitae Variant Classification Sherloc (09022015). Collection method: clinical testing. Allele origin: germline.

PreventionGenetics, part of Exact Sciences
Classification: Likely benign for RRAS-related condition. Last evaluated: 2025-02-10. Review status: criteria provided, single submitter. Criteria: ACMG Guidelines, 2015. Collection method: clinical testing. Allele origin: germline.
Comment: This variant is classified as likely benign based on ACMG/AMP sequence variant interpretation guidelines (Richards et al. 2015 PMID: 25741868, with internal and published modifications).

Blueprint Genetics
Classification: Likely benign. Last evaluated: 2024-10-08. Review status: criteria provided, single submitter. Criteria: ACMG Guidelines, 2015. Collection method: clinical testing. Allele origin: germline.

Ambry Genetics
Classification: Uncertain significance. Last evaluated: 2021-06-14. Review status: criteria provided, single submitter. Criteria: Ambry Variant Classification Scheme 2023. Collection method: clinical testing. Allele origin: germline.
Comment: The p.V190L variant (also known as c.568G>C), located in coding exon 5 of the RRAS gene, results from a G to C substitution at nucleotide position 568. The valine at codon 190 is replaced by leucine, an amino acid with highly similar properties. This amino acid position is conserved. In addition, this alteration is predicted to be tolerated by in silico analysis. Since supporting evidence is limited at this time, the clinical significance of this alteration remains unclear.

GeneDx
Classification: Likely benign. Last evaluated: 2020-09-08. Review status: criteria provided, single submitter. Criteria: GeneDx Variant Classification Process June 2021. Collection method: clinical testing. Allele origin: germline. Affected: yes.

Women's Health and Genetics/Laboratory Corporation of America, LabCorp
Classification: Likely benign. Last evaluated: 2020-07-13. Review status: criteria provided, single submitter. Criteria: LabCorp Variant Classification Summary - May 2015. Collection method: clinical testing. Allele origin: germline.
Comment: Variant summary: RRAS c.568G>C (p.Val190Leu) results in a conservative amino acid change in the encoded protein sequence. Three of five in-silico tools predict a benign effect of the variant on protein function. The variant allele was found at a frequency of 0.00041 in 274984 control chromosomes, predominantly at a frequency of 0.0045 within the African or African-American subpopulation in the gnomAD database. The observed variant frequency within African or African-American control individuals in the gnomAD database is approximately 1800 fold of the estimated maximal expected allele frequency for a pathogenic variant in RRAS causing Noonan Syndrome And Related Conditions phenotype (2.5e-06), strongly suggesting that the variant is a benign polymorphism found primarily in populations of African or African-American origin. To our knowledge, no occurrence of c.568G>C in individuals affected with Noonan Syndrome And Related Conditions and no experimental evidence demonstrating its impact on protein function have been reported. One ClinVar submitter (evaluation after 2014) cites the variant as likely benign. Based on the evidence outlined above, the variant was classified as likely benign.

NM_006270.5(RRAS):c.568G>C (p.Val190Leu)

Gene: RRAS (RAS related; minus strand). Cytogenetic location: 19q13.33.
Variant type: single nucleotide variant.
Coding change: c.568G>C on transcript NM_006270.5 (MANE Select); coding-DNA position 568, G replaced by C.
Protein change: p.Val190Leu; replaces valine 190 with leucine.
Molecular consequence: missense variant.
Genome position (GRCh38, 1-based): chr19:49,635,738, C>G on the plus strand (G>C on the coding strand, the complement: RRAS is on the minus strand). VCF-style: chr19-49635738-C-G. GRCh37 (hg19) VCF-style: chr19-50138995-C-G.
Other names: short protein forms V190L.
Identifiers: ClinVar variation 527794 (VCV000527794.18), dbSNP rs2230917, ClinGen allele CA9578960.